The following is an entry in ClinVar:

NM_004172.5(SLC1A3):c.109A>C (p.Thr37Pro)

Gene: SLC1A3 (solute carrier family 1 member 3; plus strand). Cytogenetic location: 5p13.2.
Variant type: single nucleotide variant.
Coding change: c.109A>C on transcript NM_004172.5 (MANE Select); coding-DNA position 109, A replaced by C.
Protein change: p.Thr37Pro; replaces threonine 37 with proline.
Molecular consequence: missense variant.
Genome position (GRCh38, 1-based): chr5:36,608,532, A>C. VCF-style: chr5-36608532-A-C. GRCh37 (hg19) VCF-style: chr5-36608634-A-C.
Other names: c.109A>C, p.Thr37Pro (NM_001166695.3, NM_001166696.3, NM_001289939.2 and 1 more transcripts); short protein forms T37P.
Identifiers: ClinVar variation 2655406 (VCV002655406.24), dbSNP rs2477871787, ClinGen allele CA359485848.

ClinVar aggregate classification (germline): Uncertain significance (1 of 4 stars; one submission).

Submission:

CeGaT Center for Human Genetics Tuebingen
Classification: Uncertain significance. Last evaluated: 2022-06-01. Review status: criteria provided, single submitter. Criteria: CeGaT Center For Human Genetics Tuebingen Variant Classification Criteria Version 2. Collection method: clinical testing. Allele origin: germline. Affected: yes. Observed: 1 variant allele.
Comment: SLC1A3: PM2